The following is an entry in ClinVar:

ClinVar aggregate classification (germline): Uncertain significance. Review status: criteria provided, multiple submitters, no conflicts (2 of 4 stars). 2 submissions from 2 submitters: Uncertain significance (2). Last evaluated 2025-05-02.

Conditions:
Charcot-Marie-Tooth disease type 2. Also called: Charcot-Marie-Tooth type 2. Identifiers: Orphanet 64746, MedGen C0270914, MONDO:0018993.

Allele frequency attached by ClinVar (database versions not stated): gnomAD exomes 0.00001; gnomAD 0.00001; TOPMed below 0.00001.
gnomAD v4.1: 15 of 1,610,838 alleles (0.00093%); highest among the groups gnomAD compares: Non-Finnish European, 0.0013%; no homozygotes.

Submissions (2):

Ambry Genetics
Classification: Uncertain significance. Last evaluated: 2025-05-02. Review status: criteria provided, single submitter. Criteria: Ambry Variant Classification Scheme 2023. Collection method: clinical testing. Allele origin: germline.
Comment: The p.S1340L variant (also known as c.4019C>T), located in coding exon 36 of the KIF1B gene, results from a C to T substitution at nucleotide position 4019. The serine at codon 1340 is replaced by leucine, an amino acid with dissimilar properties. This amino acid position is highly conserved in available vertebrate species. In addition, this alteration is predicted to be deleterious by in silico analysis. Since supporting evidence is limited at this time, the clinical significance of this alteration remains unclear.

Labcorp Genetics (formerly Invitae), Labcorp
Classification: Uncertain significance for Charcot-Marie-Tooth disease type 2. Last evaluated: 2024-04-29. Review status: criteria provided, single submitter. Criteria: Invitae Variant Classification Sherloc (09022015). Collection method: clinical testing. Allele origin: germline.
Comment: This sequence change replaces serine, which is neutral and polar, with leucine, which is neutral and non-polar, at codon 1340 of the KIF1B protein (p.Ser1340Leu). This variant is present in population databases (no rsID available, gnomAD 0.0009%). This variant has not been reported in the literature in individuals affected with KIF1B-related conditions. ClinVar contains an entry for this variant (Variation ID: 1024395). An algorithm developed to predict the effect of missense changes on protein structure and function (PolyPhen-2) suggests that this variant is likely to be disruptive. In summary, the available evidence is currently insufficient to determine the role of this variant in disease. Therefore, it has been classified as a Variant of Uncertain Significance.

NM_001365951.3(KIF1B):c.4157C>T (p.Ser1386Leu)

Gene: KIF1B (kinesin family member 1B; plus strand). Cytogenetic location: 1p36.22.
Variant type: single nucleotide variant.
Coding change: c.4157C>T on transcript NM_001365951.3 (MANE Select); coding-DNA position 4157, C replaced by T.
Protein change: p.Ser1386Leu; replaces serine 1386 with leucine.
Molecular consequence: missense variant.
Genome position (GRCh38, 1-based): chr1:10,361,030, C>T. VCF-style: chr1-10361030-C-T. GRCh37 (hg19) VCF-style: chr1-10421088-C-T.
Other names: c.4157C>T, p.Ser1386Leu (NM_001365952.1); c.4019C>T, p.Ser1340Leu (NM_015074.3); short protein forms S1340L, S1386L.
Identifiers: ClinVar variation 1024395 (VCV001024395.12), dbSNP rs1481645640, ClinGen allele CA338316666.